The following is an entry in ClinVar:

NM_001256715.2(DNAAF3):c.377T>G (p.Val126Gly)

Genes: DNAAF3 (dynein axonemal assembly factor 3; minus strand), DNAAF3-AS1 (DNAAF3 antisense RNA 1; plus strand). Cytogenetic location: 19q13.42.
Variant type: single nucleotide variant.
Coding change: c.377T>G on transcript NM_001256715.2 (MANE Select); coding-DNA position 377, T replaced by G.
Protein change: p.Val126Gly; replaces valine 126 with glycine.
Molecular consequence: missense variant.
Genome position (GRCh38, 1-based): chr19:55,162,236, A>C on the plus strand (T>G on the coding strand, the complement: DNAAF3 is on the minus strand). VCF-style: chr19-55162236-A-C. GRCh37 (hg19) VCF-style: chr19-55673604-A-C.
Other names: c.581T>G, p.Val194Gly (NM_001256714.1); c.215T>G, p.Val72Gly (NM_001256716.2); c.518T>G, p.Val173Gly (NM_178837.4); short protein forms V126G, V173G, V194G, V72G.
Identifiers: ClinVar variation 2010143 (VCV002010143.4), dbSNP rs2515529605, ClinGen allele CA407458009.
Genomic context (GRCh38, chr19:55,162,236, plus strand): 5'-CGGTCGGGCTCGGGGACCAGGTGCGCCAGCAGGTCGGCCTGGGCACGCACGAAGGCGGCC[A>C]CTGGCGGGCGCAGCAGCGCGTTCCCCCACACTTCCAGGAAGGTCTCGCTTCGCTCTACGG-3'
Protein context (NP_001243644.1, residues 116-136): VWGNALLRPP[Val126Gly]AAFVRAQADL

ClinVar aggregate classification (germline): Uncertain significance (1 of 4 stars; one submission).

Conditions:
Primary ciliary dyskinesia. Also called: Ciliary dyskinesia. Identifiers: Orphanet 244, MedGen C0008780, MONDO:0016575, HP:0012265.

Submission:

Labcorp Genetics (formerly Invitae), Labcorp
Classification: Uncertain significance for Primary ciliary dyskinesia. Last evaluated: 2022-10-17. Review status: criteria provided, single submitter. Criteria: Invitae Variant Classification Sherloc (09022015). Collection method: clinical testing. Allele origin: germline.
Comment: In summary, the available evidence is currently insufficient to determine the role of this variant in disease. Therefore, it has been classified as a Variant of Uncertain Significance. Advanced modeling of protein sequence and biophysical properties (such as structural, functional, and spatial information, amino acid conservation, physicochemical variation, residue mobility, and thermodynamic stability) performed at Invitae indicates that this missense variant is not expected to disrupt DNAAF3 protein function. This variant has not been reported in the literature in individuals affected with DNAAF3-related conditions. This variant is not present in population databases (gnomAD no frequency). This sequence change replaces valine, which is neutral and non-polar, with glycine, which is neutral and non-polar, at codon 194 of the DNAAF3 protein (p.Val194Gly).